The following is an entry in ClinVar:

ClinVar aggregate classification (germline): Likely benign. Review status: criteria provided, multiple submitters, no conflicts (2 of 4 stars). 2 submissions from 2 submitters: Likely benign (2). Last evaluated 2025-08-28.

Conditions:
WNK1-related disorder. Also called: WNK1-related condition.
Neuropathy, hereditary sensory and autonomic, type 2A (HSAN2A). Also called: ACROOSTEOLYSIS, GIACCAI TYPE; ACROOSTEOLYSIS, NEUROGENIC; MORVAN DISEASE; NEUROPATHY, CONGENITAL SENSORY; NEUROPATHY, HEREDITARY SENSORY RADICULAR, AUTOSOMAL RECESSIVE; NEUROPATHY, HEREDITARY SENSORY, TYPE IIA. Identifiers: Orphanet 970, MedGen C2752089, MONDO:0024309, OMIM 201300.
Pseudohypoaldosteronism type 2C (PHA2C). Also called: Pseudohypoaldosteronism Type IIC. Identifiers: Orphanet 757, Orphanet 88940, MedGen C1840391, MONDO:0013778, OMIM 614492.

Allele frequency attached by ClinVar (database versions not stated): ExAC 0.00002; gnomAD exomes 0.00002; TOPMed 0.00004; ESP Exome Variant Server 0.00015; 1000 Genomes Project 30x 0.00016; 1000 Genomes Project 0.00020.
gnomAD v4.1: 197 of 1,613,828 alleles (0.012%); highest among the groups gnomAD compares: Non-Finnish European, 0.016%; no homozygotes.

Submissions (2):

Labcorp Genetics (formerly Invitae), Labcorp
Classification: Likely benign for Neuropathy, hereditary sensory and autonomic, type 2A; Pseudohypoaldosteronism type 2C. Last evaluated: 2025-08-28. Review status: criteria provided, single submitter. Criteria: Invitae Variant Classification Sherloc (09022015). Collection method: clinical testing. Allele origin: germline.

PreventionGenetics, part of Exact Sciences
Classification: Likely benign for WNK1-related condition. Last evaluated: 2025-06-24. Review status: criteria provided, single submitter. Criteria: ACMG Guidelines, 2015. Collection method: clinical testing. Allele origin: germline.
Comment: This variant is classified as likely benign based on ACMG/AMP sequence variant interpretation guidelines (Richards et al. 2015 PMID: 25741868, with internal and published modifications).

NM_018979.4(WNK1):c.5575C>A (p.Arg1859=)

Gene: WNK1 (WNK lysine deficient protein kinase 1; plus strand). Cytogenetic location: 12p13.33.
Variant type: single nucleotide variant.
Coding change: c.5575C>A on transcript NM_018979.4 (MANE Select); coding-DNA position 5575, C replaced by A.
Protein change: p.Arg1859=; no amino-acid change (arginine 1859 retained).
Molecular consequence: synonymous variant.
Genome position (GRCh38, 1-based): chr12:894,627, C>A. VCF-style: chr12-894627-C-A. GRCh37 (hg19) VCF-style: chr12-1003793-C-A.
Other names: c.5575C>A (NM_018979.3); c.6355C>A, p.Arg2119= (NM_001184985.2); c.4831C>A, p.Arg1611= (NM_014823.3); c.6331C>A, p.Arg2111= (NM_213655.5).
Identifiers: ClinVar variation 1108208 (VCV001108208.10), dbSNP rs182399931, ClinGen allele CA6383231.
Genomic context (GRCh38, chr12:894,627, plus strand): 5'-CAAGTCAAAGAAGGCCCTGTCCTAGCAACTAGTTCAGGAGCTGGTGTTTTTAAGATGGGA[C>A]GATTTCAGGTAAGACAGTCACTTTGTGTTGCCTTGATTCCTTCCTTTGGAGGAGTTGTCT-3'
Protein context (NP_061852.3, residues 1849-1869): SSGAGVFKMG[Arg1859=]FQVSVAADGA